The following is an entry in ClinVar:

NM_014967.5(FAN1):c.*3+1G>A

Genes: FAN1 (FANCD2 and FANCI associated nuclease 1; plus strand), MTMR10 (myotubularin related protein 10; minus strand). Cytogenetic location: 15q13.3.
Variant type: single nucleotide variant.
Coding change: c.*3+1G>A on transcript NM_014967.5 (MANE Select); the canonical splice donor site of the intron after 3 bases downstream of the stop codon, G replaced by A.
Molecular consequence: splice donor variant.
Genome position (GRCh38, 1-based): chr15:30,937,260, G>A. VCF-style: chr15-30937260-G-A. GRCh37 (hg19) VCF-style: chr15-31229463-G-A.
Other names: NC_000015.9:g.31229463G>A.
Identifiers: ClinVar variation 4401285 (VCV004401285.2).

ClinVar aggregate classification (germline): Benign (1 of 4 stars; one submission).

gnomAD v4.1: 3,067 of 1,608,026 alleles (0.19%); highest among the groups gnomAD compares: African/African-American, 3.6%; 52 homozygotes.

Submissions (21):

Mayo Clinic Laboratories, Mayo Clinic
Classification: Benign. Last evaluated: 2024-04-18. Review status: criteria provided, single submitter. Criteria: ACMG Guidelines, 2015. Collection method: clinical testing. Allele origin: germline. Observed: 3 variant alleles.
Comment: BS1, BS2, PP3

Dr. Peter K. Rogan Lab, Western University
No classification provided (evidence only). Condition: Clear cell carcinoma of kidney. Review status: no classification provided. Collection method: in vitro. Allele origin: not applicable. Functional consequence: retained intron. Not counted in ClinVar's aggregate classification.

Dr. Peter K. Rogan Lab, Western University
No classification provided (evidence only). Condition: Clear cell carcinoma of kidney. Review status: no classification provided. Collection method: in vitro. Allele origin: not applicable. Functional consequence: retained intron. Not counted in ClinVar's aggregate classification.

Dr. Peter K. Rogan Lab, Western University
No classification provided (evidence only). Condition: Clear cell carcinoma of kidney. Review status: no classification provided. Collection method: in vitro. Allele origin: not applicable. Functional consequence: retained intron. Not counted in ClinVar's aggregate classification.

Dr. Peter K. Rogan Lab, Western University
No classification provided (evidence only). Condition: Lung cancer. Review status: no classification provided. Collection method: in vitro. Allele origin: not applicable. Functional consequence: retained intron. Not counted in ClinVar's aggregate classification.

Dr. Peter K. Rogan Lab, Western University
No classification provided (evidence only). Condition: Colon adenocarcinoma. Review status: no classification provided. Collection method: in vitro. Allele origin: not applicable. Functional consequence: retained intron. Not counted in ClinVar's aggregate classification.

Dr. Peter K. Rogan Lab, Western University
No classification provided (evidence only). Condition: Colorectal cancer. Review status: no classification provided. Collection method: in vitro. Allele origin: not applicable. Functional consequence: retained intron. Not counted in ClinVar's aggregate classification.

Dr. Peter K. Rogan Lab, Western University
No classification provided (evidence only). Condition: Thyroid cancer, nonmedullary, 1. Review status: no classification provided. Collection method: in vitro. Allele origin: not applicable. Functional consequence: retained intron. Not counted in ClinVar's aggregate classification.

Dr. Peter K. Rogan Lab, Western University
No classification provided (evidence only). Condition: Uterine corpus endometrial carcinoma. Review status: no classification provided. Collection method: in vitro. Allele origin: not applicable. Functional consequence: retained intron. Not counted in ClinVar's aggregate classification.

Dr. Peter K. Rogan Lab, Western University
No classification provided (evidence only). Condition: Uterine corpus endometrial carcinoma. Review status: no classification provided. Collection method: in vitro. Allele origin: not applicable. Functional consequence: retained intron. Not counted in ClinVar's aggregate classification.

Dr. Peter K. Rogan Lab, Western University
No classification provided (evidence only). Condition: Uterine corpus endometrial carcinoma. Review status: no classification provided. Collection method: in vitro. Allele origin: not applicable. Functional consequence: retained intron. Not counted in ClinVar's aggregate classification.

Dr. Peter K. Rogan Lab, Western University
No classification provided (evidence only). Condition: Uterine corpus endometrial carcinoma. Review status: no classification provided. Collection method: in vitro. Allele origin: not applicable. Functional consequence: retained intron. Not counted in ClinVar's aggregate classification.

Dr. Peter K. Rogan Lab, Western University
No classification provided (evidence only). Condition: Uterine corpus endometrial carcinoma. Review status: no classification provided. Collection method: in vitro. Allele origin: not applicable. Functional consequence: retained intron. Not counted in ClinVar's aggregate classification.

Dr. Peter K. Rogan Lab, Western University
No classification provided (evidence only). Condition: Cervical cancer. Review status: no classification provided. Collection method: in vitro. Allele origin: not applicable. Functional consequence: retained intron. Not counted in ClinVar's aggregate classification.

Dr. Peter K. Rogan Lab, Western University
No classification provided (evidence only). Condition: Cervical cancer. Review status: no classification provided. Collection method: in vitro. Allele origin: not applicable. Functional consequence: retained intron. Not counted in ClinVar's aggregate classification.

Dr. Peter K. Rogan Lab, Western University
No classification provided (evidence only). Condition: Cervical cancer. Review status: no classification provided. Collection method: in vitro. Allele origin: not applicable. Functional consequence: retained intron. Not counted in ClinVar's aggregate classification.

Dr. Peter K. Rogan Lab, Western University
No classification provided (evidence only). Condition: Sarcoma. Review status: no classification provided. Collection method: in vitro. Allele origin: not applicable. Functional consequence: retained intron. Not counted in ClinVar's aggregate classification.

Dr. Peter K. Rogan Lab, Western University
No classification provided (evidence only). Condition: Hepatocellular carcinoma. Review status: no classification provided. Collection method: in vitro. Allele origin: not applicable. Functional consequence: retained intron. Not counted in ClinVar's aggregate classification.

Dr. Peter K. Rogan Lab, Western University
No classification provided (evidence only). Condition: Hepatocellular carcinoma. Review status: no classification provided. Collection method: in vitro. Allele origin: not applicable. Functional consequence: retained intron. Not counted in ClinVar's aggregate classification.

Dr. Peter K. Rogan Lab, Western University
No classification provided (evidence only). Condition: Ovarian serous cystadenocarcinoma. Review status: no classification provided. Collection method: in vitro. Allele origin: not applicable. Functional consequence: retained intron. Not counted in ClinVar's aggregate classification.

Dr. Peter K. Rogan Lab, Western University
No classification provided (evidence only). Condition: Ovarian serous cystadenocarcinoma. Review status: no classification provided. Collection method: in vitro. Allele origin: not applicable. Functional consequence: retained intron. Not counted in ClinVar's aggregate classification.